The following is an entry in ClinVar:

ClinVar aggregate classification (germline): Uncertain significance (1 of 4 stars; one submission).

Conditions:
Hereditary cancer-predisposing syndrome. Also called: Tumor predisposition; Neoplastic Syndromes, Hereditary; Hereditary neoplastic syndrome; Hereditary Cancer Syndrome. Identifiers: Orphanet 140162, MedGen C0027672, MeSH D009386, MONDO:0015356.

gnomAD v4.1: 2 of 1,608,670 alleles (0.00012%); highest among the groups gnomAD compares: South Asian, 0.0022%; no homozygotes.

Submission:

Ambry Genetics
Classification: Uncertain significance for Hereditary cancer-predisposing syndrome. Last evaluated: 2024-11-17. Review status: criteria provided, single submitter. Criteria: Ambry Variant Classification Scheme 2023. Collection method: clinical testing. Allele origin: germline.
Comment: The p.A425G variant (also known as c.1274C>G), located in coding exon 9 of the ATM gene, results from a C to G substitution at nucleotide position 1274. The alanine at codon 425 is replaced by glycine, an amino acid with similar properties. This amino acid position is conserved. In addition, this alteration is predicted to be tolerated by in silico analysis. Based on the available evidence, the clinical significance of this variant remains unclear.

NM_000051.4(ATM):c.1274C>G (p.Ala425Gly)

Gene: ATM (ATM serine/threonine kinase; plus strand). Cytogenetic location: 11q22.3.
Variant type: single nucleotide variant.
Coding change: c.1274C>G on transcript NM_000051.4 (MANE Select); coding-DNA position 1274, C replaced by G.
Protein change: p.Ala425Gly; replaces alanine 425 with glycine.
Molecular consequence: missense variant.
Genome position (GRCh38, 1-based): chr11:108,250,739, C>G. VCF-style: chr11-108250739-C-G. GRCh37 (hg19) VCF-style: chr11-108121466-C-G.
Other names: c.1274C>G, p.Ala425Gly (NM_001351834.2); short protein forms A425G.
Identifiers: ClinVar variation 3452772 (VCV003452772.1).